The following is an entry in ClinVar:

NM_032898.5(CEP19):c.172C>T (p.His58Tyr)

Gene: CEP19 (centrosomal protein 19; minus strand). Cytogenetic location: 3q29.
Variant type: single nucleotide variant.
Coding change: c.172C>T on transcript NM_032898.5 (MANE Select); coding-DNA position 172, C replaced by T.
Protein change: p.His58Tyr; replaces histidine 58 with tyrosine.
Molecular consequence: missense variant.
Genome position (GRCh38, 1-based): chr3:196,707,871, G>A on the plus strand (C>T on the coding strand, the complement: CEP19 is on the minus strand). VCF-style: chr3-196707871-G-A. GRCh37 (hg19) VCF-style: chr3-196434742-G-A.
Other names: c.67C>T, p.His23Tyr (NM_001379468.1); c.172C>T, p.His58Tyr (NM_001379469.1, NM_001379470.1); short protein forms H23Y, H58Y.
Identifiers: ClinVar variation 950981 (VCV000950981.5), dbSNP rs760588587, ClinGen allele CA2782128.
Genomic context (GRCh38, chr3:196,707,871, plus strand): 5'-GTAAAAAACTGAATAGCTTCTCTAGCTGCCTCAGGGATACTTGTTCTAGGTAACTCTTGT[G>A]TCGCGGATTATTCTTTAATTGTTCAGCAGCTCTGGTGCAATCTGGGAGAGAGAAGAAAAC-3'
Protein context (NP_116287.3, residues 48-68): AAEQLKNNPR[His58Tyr]KSYLEQVSLR

ClinVar aggregate classification (germline): Uncertain significance (1 of 4 stars; one submission).

Allele frequency attached by ClinVar (database versions not stated): gnomAD exomes 0.00001 and 0.00004; TOPMed 0.00001; ExAC 0.00004.

Submission:

Labcorp Genetics (formerly Invitae), Labcorp
Classification: Uncertain significance. Last evaluated: 2023-06-30. Review status: criteria provided, single submitter. Criteria: Invitae Variant Classification Sherloc (09022015). Collection method: clinical testing. Allele origin: germline.
Comment: ClinVar contains an entry for this variant (Variation ID: 950981). This sequence change replaces histidine, which is basic and polar, with tyrosine, which is neutral and polar, at codon 62 of the CEP19 protein (p.His62Tyr). This variant is present in population databases (rs760588587, gnomAD 0.03%). This variant has not been reported in the literature in individuals affected with CEP19-related conditions. An algorithm developed to predict the effect of missense changes on protein structure and function (PolyPhen-2) suggests that this variant is likely to be disruptive. In summary, the available evidence is currently insufficient to determine the role of this variant in disease. Therefore, it has been classified as a Variant of Uncertain Significance.